The following is an entry in ClinVar:

ClinVar aggregate classification (germline): Pathogenic/Likely pathogenic. Review status: criteria provided, multiple submitters, no conflicts (2 of 4 stars). 8 submissions from 8 submitters: Pathogenic (4); Likely pathogenic (1). 3 of the submissions do not count toward it. Last evaluated 2023-05-25.

Conditions:
Charcot-Marie-Tooth disease type 4. Also called: Charcot-Marie-Tooth disease, type IV; Charcot-Marie-Tooth, Type 4. Identifiers: Orphanet 64749, MedGen C4082197, MONDO:0018995.
Charcot-Marie-Tooth disease type 4F. Also called: Charcot-Marie-Tooth disease, demyelinating, type 4F. Identifiers: Orphanet 99952, MedGen C3540453, MONDO:0013959, OMIM 614895.
Dejerine-Sottas disease. Also called: HEREDITARY MOTOR AND SENSORY NEUROPATHY TYPE III; DEJERINE-SOTTAS NEUROPATHY; Charcot-Marie-Tooth disease type 3; HMSN Type III; Hereditary motor and sensory neuropathy 3. Identifiers: Orphanet 64748, MedGen C0011195, MONDO:0007790, OMIM 145900.

Allele frequency attached by ClinVar (database versions not stated): ExAC 0.00001; gnomAD exomes 0.00001; TOPMed 0.00002.
gnomAD v4.1: 10 of 1,613,958 alleles (0.00062%); highest among the groups gnomAD compares: East Asian, 0.016%; no homozygotes.

Submissions (8):

Labcorp Genetics (formerly Invitae), Labcorp
Classification: Pathogenic for Charcot-Marie-Tooth disease type 4. Last evaluated: 2023-05-25. Review status: criteria provided, single submitter. Criteria: Invitae Variant Classification Sherloc (09022015). Collection method: clinical testing. Allele origin: germline.
Comment: For these reasons, this variant has been classified as Pathogenic. ClinVar contains an entry for this variant (Variation ID: 4794). This premature translational stop signal has been observed in individual(s) with Charcot-Marie-Tooth disease (PMID: 15197604, 15469949, 16770524, 22847150, 26059842). In at least one individual the data is consistent with being in trans (on the opposite chromosome) from a pathogenic variant. It has also been observed to segregate with disease in related individuals. This variant is present in population databases (rs104894708, gnomAD 0.006%). This sequence change creates a premature translational stop signal (p.Arg1070*) in the PRX gene. While this is not anticipated to result in nonsense mediated decay, it is expected to disrupt the last 392 amino acid(s) of the PRX protein.

3billion
Classification: Likely pathogenic for Charcot-Marie-Tooth disease type 4F. Last evaluated: 2022-01-03. Review status: criteria provided, single submitter. Criteria: ACMG Guidelines, 2015. Collection method: clinical testing. Allele origin: germline. Affected: yes. Observed: 1 heterozygote.
Comment: Stop-gained (nonsense): predicted to result in a loss or disruption of normal protein function through protein truncation. The predicted truncated protein may be shortened by more than 10% (PVS1_S). The variant has been reported at least twice as pathogenic/likely pathogenic with clinical assertions and evidence for the classification (ClinVar ID: VCV000004794, PMID:15197604). It is observed at an extremely low frequency in the gnomAD v2.1.1 dataset (total allele frequency: 0.000008, PM2_M). Therefore, this variant is classified as pathogenic according to the recommendation of ACMG/AMP guideline.

CMT Laboratory, Bogazici University
Classification: Pathogenic for Charcot-Marie-Tooth disease type 4F. Last evaluated: 2020-12-01. Review status: criteria provided, single submitter. Criteria: ACMG Guidelines, 2015. Collection method: clinical testing. Allele origin: germline. Affected: yes. Observed: 1 variant allele.

Centre for Translational Omics - GOSgene, University College London
Classification: Pathogenic for Dejerine-Sottas disease. Last evaluated: 2012-10-22. Review status: criteria provided, single submitter. Criteria: Submitter's publication. Collection method: research. Allele origin: inherited. Affected: yes.

Juno Genomics, Hangzhou Juno Genomics, Inc
Classification: Pathogenic for Charcot-Marie-Tooth disease type 4F; Dejerine-Sottas disease. Review status: criteria provided, single submitter. Criteria: ACMG Guidelines, 2015. Collection method: clinical testing. Allele origin: germline.
Comment: Absent from controls (or at extremely low frequency if recessive) in Genome Aggregation Database.;Null variant in a gene where loss of function (LOF) is a known mechanism of disease.;For recessive disorders, detected in trans with a pathogenic variant.;Co-segregation with disease in multiple affected family members.;Patient's phenotype or family history is highly specific for a disease with a single genetic etiology.

Genesis Genome Database
Classification: Uncertain significance for Charcot-Marie-Tooth disease type 4. Last evaluated: 2019-08-14. Review status: no assertion criteria provided. Collection method: research. Allele origin: germline. Affected: yes. Not counted in ClinVar's aggregate classification.

OMIM
Classification: Pathogenic for CHARCOT-MARIE-TOOTH DISEASE, DEMYELINATING, TYPE 4F. Last evaluated: 2012-11-01. Review status: no assertion criteria provided. Collection method: literature only. Allele origin: germline. Not counted in ClinVar's aggregate classification.

GeneReviews
No classification provided. Condition: Charcot-Marie-Tooth disease type 4F. Review status: no classification provided. Collection method: literature only. Allele origin: unknown. Not counted in ClinVar's aggregate classification.

Literature cited by the submitters: PubMed 15197604 (cited by 3 submitters); PubMed 15469949 (cited by Labcorp Genetics (formerly Invitae), Labcorp); PubMed 16770524 (cited by Labcorp Genetics (formerly Invitae), Labcorp and OMIM); PubMed 22847150 (cited by 3 submitters); PubMed 26059842 (cited by Labcorp Genetics (formerly Invitae), Labcorp); PubMed 31673878 (cited by CMT Laboratory, Bogazici University); PubMed 11157804 (cited by Centre for Translational Omics - GOSgene, University College London); PubMed 21079185 (cited by Centre for Translational Omics - GOSgene, University College London); PubMed 20301641 (cited by GeneReviews); NCBI Bookshelf NBK1468 (cited by GeneReviews).

NM_181882.3(PRX):c.3208C>T (p.Arg1070Ter)

Gene: PRX (periaxin; minus strand). Cytogenetic location: 19q13.2.
Variant type: single nucleotide variant.
Coding change: c.3208C>T on transcript NM_181882.3 (MANE Select); coding-DNA position 3208, C replaced by T.
Protein change: p.Arg1070Ter; replaces arginine 1070 with a stop codon.
Molecular consequence: nonsense. On other transcripts: 3 prime UTR variant (1).
Genome position (GRCh38, 1-based): chr19:40,395,144, G>A on the plus strand (C>T on the coding strand, the complement: PRX is on the minus strand). VCF-style: chr19-40395144-G-A. GRCh37 (hg19) VCF-style: chr19-40901051-G-A.
Other names: c.*3413C>T (NM_020956.2); short protein forms R1070*.
Identifiers: ClinVar variation 4794 (VCV000004794.20), dbSNP rs104894708, ClinGen allele CA117085.